The following is an entry in ClinVar:

ClinVar aggregate classification (germline): Uncertain significance (1 of 4 stars; one submission).

Allele frequency attached by ClinVar (database versions not stated): gnomAD exomes below 0.00001 and 0.00001; gnomAD 0.00002 and 0.00003; TOPMed 0.00002.
gnomAD v4.1: 17 of 1,613,300 alleles (0.0011%); highest among the groups gnomAD compares: African/African-American, 0.004%; no homozygotes.

Submission:

Labcorp Genetics (formerly Invitae), Labcorp
Classification: Uncertain significance. Last evaluated: 2021-09-02. Review status: criteria provided, single submitter. Criteria: Invitae Variant Classification Sherloc (09022015). Collection method: clinical testing. Allele origin: germline.
Comment: This sequence change replaces arginine with glutamine at codon 4065 of the LRP2 protein (p.Arg4065Gln). The arginine residue is highly conserved and there is a small physicochemical difference between arginine and glutamine. This variant is not present in population databases (ExAC no frequency). This variant has not been reported in the literature in individuals affected with LRP2-related conditions. Advanced modeling of protein sequence and biophysical properties (such as structural, functional, and spatial information, amino acid conservation, physicochemical variation, residue mobility, and thermodynamic stability) performed at Invitae indicates that this missense variant is expected to disrupt LRP2 protein function. In summary, the available evidence is currently insufficient to determine the role of this variant in disease. Therefore, it has been classified as a Variant of Uncertain Significance.

NM_004525.3(LRP2):c.12194G>A (p.Arg4065Gln)

Gene: LRP2 (LDL receptor related protein 2; minus strand). Cytogenetic location: 2q31.1.
Variant type: single nucleotide variant.
Coding change: c.12194G>A on transcript NM_004525.3 (MANE Select); coding-DNA position 12194, G replaced by A.
Protein change: p.Arg4065Gln; replaces arginine 4065 with glutamine.
Molecular consequence: missense variant.
Genome position (GRCh38, 1-based): chr2:169,154,561, C>T on the plus strand (G>A on the coding strand, the complement: LRP2 is on the minus strand). VCF-style: chr2-169154561-C-T. GRCh37 (hg19) VCF-style: chr2-170011071-C-T.
Other names: short protein forms R4065Q.
Identifiers: ClinVar variation 1397467 (VCV001397467.5), dbSNP rs941242917, ClinGen allele CA59898142.